The following is an entry in ClinVar:

NM_000214.3(JAG1):c.37C>G (p.Pro13Ala)

Gene: JAG1 (jagged canonical Notch ligand 1; minus strand). Cytogenetic location: 20p12.2.
Variant type: single nucleotide variant.
Coding change: c.37C>G on transcript NM_000214.3 (MANE Select); coding-DNA position 37, C replaced by G.
Protein change: p.Pro13Ala; replaces proline 13 with alanine.
Molecular consequence: missense variant.
Genome position (GRCh38, 1-based): chr20:10,673,494, G>C on the plus strand (C>G on the coding strand, the complement: JAG1 is on the minus strand). VCF-style: chr20-10673494-G-C. GRCh37 (hg19) VCF-style: chr20-10654142-G-C.
Other names: c.37C>G (NM_000214.2); short protein forms P13A.
Identifiers: ClinVar variation 3573432 (VCV003573432.3).
Genomic context (GRCh38, chr20:10,673,494, plus strand): 5'-GGAGAAGGGCTCCTACCTTGGCTCGCAGGGCACAGAGCAGGGCGAGCAGGAGGCTTAGGG[G>C]GCGCCCGGACCGGCCGCGCGTCCGTGGGGAACGCATCGCTGCGCCGCGCGCCGCGGGCAC-3'
Protein context (NP_000205.1, residues 3-23): SPRTRGRSGR[Pro13Ala]LSLLLALLCA

ClinVar aggregate classification (germline): Uncertain significance (1 of 4 stars; one submission).

Conditions:
Cardiovascular phenotype. Identifiers: MedGen CN230736.

Submissions (2):

Ambry Genetics
Classification: Uncertain significance for Cardiovascular phenotype. Last evaluated: 2025-04-20. Review status: criteria provided, single submitter. Criteria: Ambry Variant Classification Scheme 2023. Collection method: clinical testing. Allele origin: germline.
Comment: The p.P13A variant (also known as c.37C>G), located in coding exon 1 of the JAG1 gene, results from a C to G substitution at nucleotide position 37. The proline at codon 13 is replaced by alanine, an amino acid with highly similar properties. This amino acid position is conserved. In addition, this alteration is predicted to be tolerated by in silico analysis. Based on the available evidence, the clinical significance of this variant remains unclear.

Gilbert/Spinner Lab, Children's Hospital of Philadelphia
No classification provided (evidence only). Condition: Alagille syndrome. Review status: no classification provided. Collection method: research. Allele origin: not applicable. Functional consequence: functionally_abnormal. Not counted in ClinVar's aggregate classification.
ClinVar note: "not provided" was previously submitted as the classification for the variant. However, the classification appeared to be based only on an observation of functional data so it was converted to no classification on 2025-07-30.